The following is an entry in ClinVar:

ClinVar aggregate classification (germline): Uncertain significance (1 of 4 stars; one submission).

Submission:

GeneDx
Classification: Uncertain significance. Last evaluated: 2017-09-06. Review status: criteria provided, single submitter. Criteria: GeneDx Variant Classification (06012015). Collection method: clinical testing. Allele origin: germline. Affected: yes.
Comment: The P264T variant in the SF3B4 gene has not been reported previously as a pathogenic variant, nor as a benign variant, to our knowledge. The P264T variant is not observed in large population cohorts (Lek et al., 2016; 1000 Genomes Consortium et al., 2015; Exome Variant Server). The P264T variant is a non-conservative amino acid substitution, which is likely to impact secondary protein structure as these residues differ in polarity, charge, size and/or other properties. This substitution occurs at a position that is conserved in mammals. In silico analysis predicts this variant is probably damaging to the protein structure/function. We interpret P264T as a variant of uncertain significance.

NM_005850.5(SF3B4):c.790C>A (p.Pro264Thr)

Gene: SF3B4 (splicing factor 3b subunit 4; minus strand). Cytogenetic location: 1q21.2.
Variant type: single nucleotide variant.
Coding change: c.790C>A on transcript NM_005850.5 (MANE Select); coding-DNA position 790, C replaced by A.
Protein change: p.Pro264Thr; replaces proline 264 with threonine.
Molecular consequence: missense variant.
Genome position (GRCh38, 1-based): chr1:149,925,959, G>T on the plus strand (C>A on the coding strand, the complement: SF3B4 is on the minus strand). VCF-style: chr1-149925959-G-T. GRCh37 (hg19) VCF-style: chr1-149897851-G-T.
Other names: short protein forms P264T.
Identifiers: ClinVar variation 451701 (VCV000451701.2), dbSNP rs1553765961, ClinGen allele CA342275973.